The following is an entry in ClinVar:

ClinVar aggregate classification (germline): Uncertain significance. Review status: criteria provided, multiple submitters, no conflicts (2 of 4 stars). 2 submissions from 2 submitters: Uncertain significance (2). Last evaluated 2026-06-30.

Conditions:
Leber congenital amaurosis 6 (LCA6). Identifiers: Orphanet 65, MedGen C1854260, MONDO:0013446, OMIM 613826.
Cone-rod dystrophy 13 (CORD13). Identifiers: Orphanet 1872, MedGen C2750720, MONDO:0011987, OMIM 608194.
RPGRIP1-related disorder. Also called: RPGRIP1-related condition.

Allele frequency attached by ClinVar (database versions not stated): gnomAD exomes below 0.00001 and 0.00001; TOPMed 0.00001.
gnomAD v4.1: 4 of 1,595,166 alleles (0.00025%); highest among the groups gnomAD compares: Non-Finnish European, 0.00034%; no homozygotes.

Submissions (2):

PreventionGenetics, part of Exact Sciences
Classification: Uncertain significance for RPGRIP1-related condition. Last evaluated: 2026-06-30. Review status: criteria provided, single submitter. Criteria: ACMG Guidelines, 2015. Collection method: clinical testing. Allele origin: germline.
Comment: The RPGRIP1 c.2335G>C variant is predicted to result in the amino acid substitution p.Val779Leu. To our knowledge, this variant has not been reported in the literature. This variant is reported in 0.0032% of alleles in individuals of European (Non-Finnish) descent in gnomAD. At this time, the clinical significance of this variant is uncertain due to the absence of conclusive functional and genetic evidence.

Labcorp Genetics (formerly Invitae), Labcorp
Classification: Uncertain significance for Leber congenital amaurosis 6; Cone-rod dystrophy 13. Last evaluated: 2021-09-01. Review status: criteria provided, single submitter. Criteria: Invitae Variant Classification Sherloc (09022015). Collection method: clinical testing. Allele origin: germline.
Comment: This sequence change replaces valine with leucine at codon 779 of the RPGRIP1 protein (p.Val779Leu). The valine residue is moderately conserved and there is a small physicochemical difference between valine and leucine. This variant is not present in population databases (ExAC no frequency). This variant has not been reported in the literature in individuals affected with RPGRIP1-related conditions. Algorithms developed to predict the effect of missense changes on protein structure and function are either unavailable or do not agree on the potential impact of this missense change (SIFT: "Deleterious"; PolyPhen-2: "Benign"; Align-GVGD: "Class C0"). In summary, the available evidence is currently insufficient to determine the role of this variant in disease. Therefore, it has been classified as a Variant of Uncertain Significance.

NM_020366.4(RPGRIP1):c.2335G>C (p.Val779Leu)

Gene: RPGRIP1 (RPGR interacting protein 1; plus strand). Cytogenetic location: 14q11.2.
Variant type: single nucleotide variant.
Coding change: c.2335G>C on transcript NM_020366.4 (MANE Select); coding-DNA position 2335, G replaced by C.
Protein change: p.Val779Leu; replaces valine 779 with leucine.
Molecular consequence: missense variant. On other transcripts: intron variant (4).
Genome position (GRCh38, 1-based): chr14:21,325,351, G>C. VCF-style: chr14-21325351-G-C. GRCh37 (hg19) VCF-style: chr14-21793510-G-C.
Other names: c.1261G>C, p.Val421Leu (NM_001377948.1); c.796+626G>C (NM_001377949.1); c.689-2272G>C (NM_001377523.1, NM_001377950.1); c.191-2272G>C (NM_001377951.1); c.2335G>C (NM_020366.3); short protein forms V779L, V421L.
Identifiers: ClinVar variation 1034747 (VCV001034747.7), dbSNP rs1050643789, ClinGen allele CA257536088.